The following is an entry in ClinVar:

ClinVar aggregate classification (germline): Uncertain significance. Review status: criteria provided, multiple submitters, no conflicts (2 of 4 stars). 2 submissions from 2 submitters: Uncertain significance (2). Last evaluated 2022-07-17.

Conditions:
Niemann-Pick disease, type C1. Also called: NIEMANN-PICK DISEASE, VARIANT TYPE C1; NEUROVISCERAL STORAGE DISEASE WITH VERTICAL SUPRANUCLEAR OPHTHALMOPLEGIA; NIEMANN-PICK DISEASE WITH CHOLESTEROL ESTERIFICATION BLOCK; NIEMANN-PICK DISEASE WITHOUT SPHINGOMYELINASE DEFICIENCY; NIEMANN-PICK DISEASE, CHRONIC NEURONOPATHIC FORM. Identifiers: Orphanet 646, MedGen C3179455, MONDO:0009757, OMIM 257220.

Allele frequency attached by ClinVar (database versions not stated): gnomAD exomes 0.00002; ExAC 0.00005; gnomAD 0.00010 and 0.00012.
gnomAD v4.1: 33 of 1,204,540 alleles (0.0027%); highest among the groups gnomAD compares: Admixed American, 0.018%; no homozygotes.

Submissions (2):

Labcorp Genetics (formerly Invitae), Labcorp
Classification: Uncertain significance for Niemann-Pick disease, type C1. Last evaluated: 2022-07-17. Review status: criteria provided, single submitter. Criteria: Invitae Variant Classification Sherloc (09022015). Collection method: clinical testing. Allele origin: germline.
Comment: This sequence change falls in intron 12 of the NPC1 gene. It does not directly change the encoded amino acid sequence of the NPC1 protein. It affects a nucleotide within the consensus splice site. The frequency data for this variant in the population databases is considered unreliable, as metrics indicate poor data quality at this position in the gnomAD database. This variant has not been reported in the literature in individuals affected with NPC1-related conditions. ClinVar contains an entry for this variant (Variation ID: 326273). Variants that disrupt the consensus splice site are a relatively common cause of aberrant splicing (PMID: 17576681, 9536098). Algorithms developed to predict the effect of sequence changes on RNA splicing suggest that this variant is not likely to affect RNA splicing. In summary, the available evidence is currently insufficient to determine the role of this variant in disease. Therefore, it has been classified as a Variant of Uncertain Significance.

Illumina Laboratory Services, Illumina
Classification: Uncertain significance for Niemann-Pick disease type C1. Last evaluated: 2018-01-13. Review status: criteria provided, single submitter. Criteria: ICSL Variant Classification Criteria 13 December 2019. Collection method: clinical testing. Allele origin: germline.

Literature cited by the submitters: PubMed 17576681 (cited by Labcorp Genetics (formerly Invitae), Labcorp); PubMed 9536098 (cited by Labcorp Genetics (formerly Invitae), Labcorp).

NM_000271.5(NPC1):c.1947+6C>G

Gene: NPC1 (NPC intracellular cholesterol transporter 1; minus strand). Cytogenetic location: 18q11.2.
Variant type: single nucleotide variant.
Coding change: c.1947+6C>G on transcript NM_000271.5 (MANE Select); 6 bases into the intron after coding-DNA position 1947, C replaced by G.
Molecular consequence: intron variant.
Genome position (GRCh38, 1-based): chr18:23,544,954, G>C on the plus strand (C>G on the coding strand, the complement: NPC1 is on the minus strand). VCF-style: chr18-23544954-G-C. GRCh37 (hg19) VCF-style: chr18-21124918-G-C.
Identifiers: ClinVar variation 326273 (VCV000326273.6), dbSNP rs745432812, ClinGen allele CA8913336.